The following is an entry in ClinVar:

NM_000051.4(ATM):c.4801A>G (p.Ser1601Gly)

Gene: ATM (ATM serine/threonine kinase; plus strand). Cytogenetic location: 11q22.3.
Variant type: single nucleotide variant.
Coding change: c.4801A>G on transcript NM_000051.4 (MANE Select); coding-DNA position 4801, A replaced by G.
Protein change: p.Ser1601Gly; replaces serine 1601 with glycine.
Molecular consequence: missense variant.
Genome position (GRCh38, 1-based): chr11:108,294,951, A>G. VCF-style: chr11-108294951-A-G. GRCh37 (hg19) VCF-style: chr11-108165678-A-G.
Other names: c.4801A>G, p.Ser1601Gly (NM_001351834.2); short protein forms S1601G.
Identifiers: ClinVar variation 233609 (VCV000233609.16), dbSNP rs876660520, ClinGen allele CA10579166.

ClinVar aggregate classification (germline): Conflicting classifications of pathogenicity. Review status: criteria provided, conflicting classifications (1 of 4 stars). 3 submissions from 3 submitters: Likely pathogenic (2); Uncertain significance (1). Last evaluated 2025-08-11.

Conditions:
Hereditary cancer-predisposing syndrome. Also called: Tumor predisposition; Hereditary Cancer Syndrome; Hereditary neoplastic syndrome; Neoplastic Syndromes, Hereditary. Identifiers: Orphanet 140162, MedGen C0027672, MeSH D009386, MONDO:0015356.
Ataxia-telangiectasia syndrome (AT). Also called: Ataxia telangiectasia (A-T); LOUIS-BAR SYNDROME; Cerebello-oculocutaneous telangiectasia; Immunodeficiency with ataxia telangiectasia; ATAXIA-TELANGIECTASIA, COMPLEMENTATION GROUP A; ATAXIA-TELANGIECTASIA, FRESNO VARIANT. Identifiers: Orphanet 100, MedGen C0004135, MONDO:0008840, OMIM 208900.

Allele frequency attached by ClinVar (database versions not stated): gnomAD exomes below 0.00001.
gnomAD v4.1: 1 of 1,613,828 alleles (0.000062%); highest among the groups gnomAD compares: Non-Finnish European, 0.000085%; no homozygotes.

Submissions (3):

Labcorp Genetics (formerly Invitae), Labcorp
Classification: Likely pathogenic for Ataxia-telangiectasia syndrome. Last evaluated: 2025-08-11. Review status: criteria provided, single submitter. Criteria: Invitae Variant Classification Sherloc (09022015). Collection method: clinical testing. Allele origin: germline.
Comment: This sequence change replaces serine, which is neutral and polar, with glycine, which is neutral and non-polar, at codon 1601 of the ATM protein (p.Ser1601Gly). This variant is not present in population databases (gnomAD no frequency). This missense change has been observed in individual(s) with ataxia-telangiectasia and/or multiple primary melanomas (PMID: 34262154, 37438524; internal data). In at least one individual the data is consistent with being in trans (on the opposite chromosome) from a pathogenic variant. ClinVar contains an entry for this variant (Variation ID: 233609). Invitae Evidence Modeling of protein sequence and biophysical properties (such as structural, functional, and spatial information, amino acid conservation, physicochemical variation, residue mobility, and thermodynamic stability) indicates that this missense variant is not expected to disrupt ATM protein function with a negative predictive value of 95%. Algorithms developed to predict the effect of sequence changes on RNA splicing suggest that this variant may disrupt the consensus splice site. In summary, the currently available evidence indicates that the variant is pathogenic, but additional data are needed to prove that conclusively. Therefore, this variant has been classified as Likely Pathogenic.

Color Diagnostics, LLC DBA Color Health
Classification: Uncertain significance for Hereditary cancer-predisposing syndrome. Last evaluated: 2025-07-22. Review status: criteria provided, single submitter. Criteria: ACMG Guidelines, 2015. Collection method: clinical testing. Allele origin: germline.
Comment: This missense variant replaces serine with glycine at codon 1601 of the ATM protein. Computational prediction suggests that this variant may not impact protein structure and function. However, splice site prediction tools suggest that this variant may impact RNA splicing. To our knowledge, RNA studies have not been reported for this variant. This variant has been observed with a pathogenic variant in an individual affected with autosomal recessive Ataxia-Telangiectasia (PMID: 37438524), indicating that this variant contributes to disease. This variant has also been observed in an individual affected breast cancer (PMID: 28779002). This variant has not been identified in the general population by the Genome Aggregation Database (gnomAD). Although there is suspicion that this variant may be associated with disease, additional studies are necessary to determine the role of this variant in disease conclusively. Therefore, this variant is classified as a Variant of Uncertain Significance.

Ambry Genetics
Classification: Likely pathogenic for Hereditary cancer-predisposing syndrome. Last evaluated: 2025-01-17. Review status: criteria provided, single submitter. Criteria: Ambry Variant Classification Scheme 2023. Collection method: clinical testing. Allele origin: germline.
Comment: The c.4801A>G variant (also known as p.S1601G), located in coding exon 31 of the ATM gene, results from an A to G substitution at nucleotide position 4801. The serine at codon 1601 is replaced by glycine, an amino acid with similar properties. This variant has been identified in conjunction with a pathogenic ATM mutation in an individual with a diagnosis of ataxia-telangiectasia (A-T) (Kim J et al. Nature, 2023 Jul;619:828-836). In silico splice site analysis predicts that this alteration will result in the creation or strengthening of a novel splice acceptor site. RNA studies have demonstrated that this alteration results in abnormal splicing in the set of samples tested (Ambry internal data). Based on the majority of available evidence to date, this variant is likely to be pathogenic.

Literature cited by the submitters: PubMed 34262154 (cited by Labcorp Genetics (formerly Invitae), Labcorp); PubMed 37438524 (cited by 3 submitters); PubMed 28779002 (cited by Color Diagnostics, LLC DBA Color Health).